The following is an entry in ClinVar:

NM_000545.8(HNF1A):c.1613C>T (p.Pro538Leu)

Gene: HNF1A (HNF1 homeobox A; plus strand). Cytogenetic location: 12q24.31.
Variant type: single nucleotide variant.
Coding change: c.1613C>T on transcript NM_000545.8 (MANE Select); coding-DNA position 1613, C replaced by T.
Protein change: p.Pro538Leu; replaces proline 538 with leucine.
Molecular consequence: missense variant.
Genome position (GRCh38, 1-based): chr12:120,999,379, C>T. VCF-style: chr12-120999379-C-T. GRCh37 (hg19) VCF-style: chr12-121437182-C-T.
Other names: c.1613C>T, p.Pro538Leu (NM_001306179.2); short protein forms P538L.
Identifiers: ClinVar variation 1676809 (VCV001676809.2), dbSNP rs2135850924, ClinGen allele CA386972206.

ClinVar aggregate classification (germline): Uncertain significance (1 of 4 stars; one submission).

Submission:

MVZ Dr. Eberhard & Partner Dortmund
Classification: Uncertain significance. Last evaluated: 2021-11-23. Review status: criteria provided, single submitter. Criteria: ACMG Guidelines, 2015. Collection method: clinical testing. Allele origin: unknown. Observed: 1 heterozygote.
Comment: This sequence change of C to T leads to substitution of Proline with Leucine at position 538 in the protein. The variant has not been reported in literature, specific mutation databases or in controls in Exome Sequencing Project, 1000 Genomes Project and the Genome Aggregation Database. Furthermore, multiple computational programs suggest a deleterious effect for this variant. This variant is considered to be a variant of uncertain significance according to the ACMG guidelines.